The following is an entry in ClinVar:

NM_005188.4(CBL):c.2323G>C (p.Asp775His)

Gene: CBL (Cbl proto-oncogene; plus strand). Cytogenetic location: 11q23.3.
Variant type: single nucleotide variant.
Coding change: c.2323G>C on transcript NM_005188.4 (MANE Select); coding-DNA position 2323, G replaced by C.
Protein change: p.Asp775His; replaces aspartic acid 775 with histidine.
Molecular consequence: missense variant.
Genome position (GRCh38, 1-based): chr11:119,298,429, G>C. VCF-style: chr11-119298429-G-C. GRCh37 (hg19) VCF-style: chr11-119169139-G-C.
Other names: short protein forms D775H.
Identifiers: ClinVar variation 4868267 (VCV004868267.1).

ClinVar aggregate classification (germline): Uncertain significance (1 of 4 stars; one submission).

Conditions:
Cardiovascular phenotype. Identifiers: MedGen CN230736.

Submission:

Ambry Genetics
Classification: Uncertain significance for Cardiovascular phenotype. Last evaluated: 2026-05-20. Review status: criteria provided, single submitter. Criteria: Ambry Variant Classification Scheme 2023. Collection method: clinical testing. Allele origin: germline.
Comment: The p.D775H variant (also known as c.2323G>C), located in coding exon 15 of the CBL gene, results from a G to C substitution at nucleotide position 2323. The aspartic acid at codon 775 is replaced by histidine, an amino acid with similar properties. This amino acid position is conserved. In addition, this alteration is predicted to be deleterious by in silico analysis. Based on the available evidence, the clinical significance of this variant remains unclear.